The following is an entry in ClinVar:

NM_004629.2(FANCG):c.653A>G (p.Gln218Arg)

Gene: FANCG (FA complementation group G; minus strand). Cytogenetic location: 9p13.3.
Variant type: single nucleotide variant.
Coding change: c.653A>G on transcript NM_004629.2 (MANE Select); coding-DNA position 653, A replaced by G.
Protein change: p.Gln218Arg; replaces glutamine 218 with arginine.
Molecular consequence: missense variant.
Genome position (GRCh38, 1-based): chr9:35,077,095, T>C on the plus strand (A>G on the coding strand, the complement: FANCG is on the minus strand). VCF-style: chr9-35077095-T-C. GRCh37 (hg19) VCF-style: chr9-35077092-T-C.
Other names: short protein forms Q218R.
Identifiers: ClinVar variation 3512847 (VCV003512847.1).

ClinVar aggregate classification (germline): Uncertain significance (1 of 4 stars; one submission).

Conditions:
Inborn genetic diseases. Identifiers: MedGen C0950123, MeSH D030342.

gnomAD v4.1: 3 of 1,614,160 alleles (0.00019%); highest among the groups gnomAD compares: Non-Finnish European, 0.00025%; no homozygotes.

Submission:

Ambry Genetics
Classification: Uncertain significance for Inborn genetic diseases. Last evaluated: 2024-11-26. Review status: criteria provided, single submitter. Criteria: Ambry Variant Classification Scheme 2023. Collection method: clinical testing. Allele origin: germline.
Comment: The p.Q218R variant (also known as c.653A>G), located in coding exon 6 of the FANCG gene, results from an A to G substitution at nucleotide position 653. The glutamine at codon 218 is replaced by arginine, an amino acid with highly similar properties. This amino acid position is conserved. In addition, this alteration is predicted to be tolerated by in silico analysis. Based on the available evidence, the clinical significance of this variant remains unclear.